The following is an entry in ClinVar:

NM_000414.4(HSD17B4):c.200G>A (p.Gly67Glu)

Gene: HSD17B4 (hydroxysteroid 17-beta dehydrogenase 4; plus strand). Cytogenetic location: 5q23.1.
Variant type: single nucleotide variant.
Coding change: c.200G>A on transcript NM_000414.4 (MANE Select); coding-DNA position 200, G replaced by A.
Protein change: p.Gly67Glu; replaces glycine 67 with glutamic acid.
Molecular consequence: missense variant. On other transcripts: 5 prime UTR variant (6), non-coding transcript variant (2).
Genome position (GRCh38, 1-based): chr5:119,473,995, G>A. VCF-style: chr5-119473995-G-A. GRCh37 (hg19) VCF-style: chr5-118809690-G-A.
Other names: c.275G>A, p.Gly92Glu (NM_001199291.3); c.146G>A, p.Gly49Glu (NM_001199292.2); c.128G>A, p.Gly43Glu (NM_001292027.2); c.-212G>A (NM_001292028.2, NM_001374501.1); c.200G>A, p.Gly67Glu (NM_001374497.1, NM_001374498.1); c.-81G>A (NM_001374499.1); c.-339G>A (NM_001374500.1); c.-217G>A (NM_001374502.1, NM_001374503.1); short protein forms G67E, G92E, G43E, G49E.
Identifiers: ClinVar variation 2067511 (VCV002067511.4), dbSNP rs2531599566, ClinGen allele CA360864482.

ClinVar aggregate classification (germline): Uncertain significance (1 of 4 stars; one submission).

Conditions:
Bifunctional peroxisomal enzyme deficiency (DBIF). Also called: DBP DEFICIENCY; PBFE DEFICIENCY; D-bifunctional protein deficiency. Identifiers: Orphanet 300, MedGen C0342870, MONDO:0009855, OMIM 261515. Disease mechanism: loss of function.
Perrault syndrome. Also called: Gonadal dysgenesis with auditory dysfunction, autosomal recessive inheritance. Identifiers: Orphanet 2855, MedGen C0685838, MONDO:0017312.

Submission:

Labcorp Genetics (formerly Invitae), Labcorp
Classification: Uncertain significance for Perrault syndrome; Bifunctional peroxisomal enzyme deficiency. Last evaluated: 2025-06-04. Review status: criteria provided, single submitter. Criteria: Invitae Variant Classification Sherloc (09022015). Collection method: clinical testing. Allele origin: germline.
Comment: This sequence change replaces glycine, which is neutral and non-polar, with glutamic acid, which is acidic and polar, at codon 67 of the HSD17B4 protein (p.Gly67Glu). This variant is not present in population databases (gnomAD no frequency). This variant has not been reported in the literature in individuals affected with HSD17B4-related conditions. ClinVar contains an entry for this variant (Variation ID: 2067511). Invitae Evidence Modeling of protein sequence and biophysical properties (such as structural, functional, and spatial information, amino acid conservation, physicochemical variation, residue mobility, and thermodynamic stability) indicates that this missense variant is expected to disrupt HSD17B4 protein function with a positive predictive value of 95%. In summary, the available evidence is currently insufficient to determine the role of this variant in disease. Therefore, it has been classified as a Variant of Uncertain Significance.